The following is an entry in ClinVar:

ClinVar aggregate classification (germline): Benign/Likely benign. Review status: criteria provided, multiple submitters, no conflicts (2 of 4 stars). 6 submissions from 6 submitters: Benign (1); Likely benign (4). 1 of the submissions does not count toward it. Last evaluated 2025-08-11.

Conditions:
Hereditary cancer-predisposing syndrome. Also called: Neoplastic Syndromes, Hereditary; Tumor predisposition; Hereditary Cancer Syndrome; Hereditary neoplastic syndrome. Identifiers: Orphanet 140162, MedGen C0027672, MeSH D009386, MONDO:0015356.
Familial cancer of breast. Also called: Hereditary breast cancer; hereditary breast carcinoma; BREAST CANCER, FAMILIAL. Identifiers: Orphanet 227535, MedGen C0346153, MONDO:0016419, OMIM 114480. Disease mechanism: loss of function.
Malignant tumor of breast. Also called: Malignant breast neoplasm; Cancer breast. Identifiers: MedGen C0006142, MONDO:0007254. Disease mechanism: loss of function.

Allele frequency attached by ClinVar (database versions not stated): gnomAD 0.00001; gnomAD exomes 0.00001; TOPMed 0.00001; ExAC 0.00002.
gnomAD v4.1: 10 of 1,613,856 alleles (0.00062%); highest among the groups gnomAD compares: Non-Finnish European, 0.00042%; no homozygotes.

Submissions (6):

Labcorp Genetics (formerly Invitae), Labcorp
Classification: Likely benign for Familial cancer of breast. Last evaluated: 2025-08-11. Review status: criteria provided, single submitter. Criteria: Invitae Variant Classification Sherloc (09022015). Collection method: clinical testing. Allele origin: germline.

Myriad Genetics, Inc.
Classification: Benign for Familial cancer of breast. Last evaluated: 2024-07-25. Review status: criteria provided, single submitter. Criteria: Myriad Autosomal Dominant, Autosomal Recessive and X-Linked Classification Criteria (2023). Collection method: clinical testing. Allele origin: unknown.
Comment: This variant is considered benign. This variant is a silent/synonymous amino acid change and it is not expected to impact splicing.

Quest Diagnostics Nichols Institute San Juan Capistrano
Classification: Likely benign. Last evaluated: 2023-08-16. Review status: criteria provided, single submitter. Criteria: Quest Diagnostics criteria. Collection method: clinical testing. Allele origin: unknown.

Ambry Genetics
Classification: Likely benign for Hereditary cancer-predisposing syndrome. Last evaluated: 2020-07-23. Review status: criteria provided, single submitter. Criteria: Ambry Variant Classification Scheme 2023. Collection method: clinical testing. Allele origin: germline.

Color Diagnostics, LLC DBA Color Health
Classification: Likely benign for Hereditary cancer-predisposing syndrome. Last evaluated: 2017-07-05. Review status: criteria provided, single submitter. Criteria: ACMG Guidelines, 2015. Collection method: clinical testing. Allele origin: germline.

Department of Pathology and Laboratory Medicine, Sinai Health System
Classification: Likely benign for Malignant tumor of breast. Review status: no assertion criteria provided. Collection method: clinical testing. Allele origin: unknown. Affected: yes. Study: The Canadian Open Genetics Repository (COGR). Not counted in ClinVar's aggregate classification.
Comment: The BARD1 p.His499= variant was not identified in the literature. The variant was identified in dbSNP (rs760665188) as â€šÃ„Ãºwith likely benign alleleâ€šÃ„Ã¹ and ClinVar (classified as likely benign by Invitae and Color). The variant was identified in control databases in 3 of 251,336 chromosomes at a frequency of 0.00001 (Genome Aggregation Database Feb 27, 2017). The variant was observed in the following populations: Other in 1 of 6128 chromosomes (freq: 0.0002), Finnish in 1 of 21,638 chromosomes (freq: 0.00005), and European in 1 of 113,679 chromosomes (freq: 0.000009); it was not observed in the African, Latino, Ashkenazi Jewish, East Asian or South Asian populations. The p.His499= variant is not expected to have clinical significance because it does not result in a change of amino acid and is not located in a known consensus splice site. The variant occurs at a non-highly conserved nucleotide outside of the splicing consensus sequence and in silico or computational prediction software programs (SpliceSiteFinder, MaxEntScan, NNSPLICE, GeneSplicer) do not predict a difference in splicing. In summary, based on the above information, the clinical significance of this variant cannot be determined with certainty at this time although we would lean towards a more benign role for this variant. This variant is classified as likely benign. Assessment Date: 2019/09/19

Literature cited by the submitters: PubMed 37337119 (cited by Quest Diagnostics Nichols Institute San Juan Capistrano).

NM_000465.4(BARD1):c.1497C>T (p.His499=)

Gene: BARD1 (BRCA1 associated RING domain 1; minus strand). Cytogenetic location: 2q35.
Variant type: single nucleotide variant.
Coding change: c.1497C>T on transcript NM_000465.4 (MANE Select); coding-DNA position 1497, C replaced by T.
Protein change: p.His499=; no amino-acid change (histidine 499 retained).
Molecular consequence: synonymous variant. On other transcripts: non-coding transcript variant (3), intron variant (3).
Genome position (GRCh38, 1-based): chr2:214,767,553, G>A on the plus strand (C>T on the coding strand, the complement: BARD1 is on the minus strand). VCF-style: chr2-214767553-G-A. GRCh37 (hg19) VCF-style: chr2-215632277-G-A.
Other names: c.1440C>T, p.His480= (NM_001282543.2); c.159-14998C>T (NM_001282548.2); c.216-14998C>T (NM_001282545.2); c.364+24744C>T (NM_001282549.2).
Identifiers: ClinVar variation 414115 (VCV000414115.20), dbSNP rs760665188, ClinGen allele CA2090248.